The following is an entry in ClinVar:

NM_015122.3(FCHO1):c.113G>C (p.Arg38Pro)

Gene: FCHO1 (FCH and mu domain containing endocytic adaptor 1; plus strand). Cytogenetic location: 19p13.11.
Variant type: single nucleotide variant.
Coding change: c.113G>C on transcript NM_015122.3 (MANE Select); coding-DNA position 113, G replaced by C.
Protein change: p.Arg38Pro; replaces arginine 38 with proline.
Molecular consequence: missense variant. On other transcripts: 5 prime UTR variant (6), non-coding transcript variant (36).
Genome position (GRCh38, 1-based): chr19:17,762,847, G>C. VCF-style: chr19-17762847-G-C. GRCh37 (hg19) VCF-style: chr19-17873656-G-C.
Other names: c.113G>C, p.Arg38Pro (NM_001161357.2, NM_001161358.2, NM_001384370.1 and 30 more transcripts); c.-38G>C (NM_001161359.2, NM_001384384.1, NM_001384385.1 and 3 more transcripts); short protein forms R38P.
Identifiers: ClinVar variation 1437907 (VCV001437907.6), dbSNP rs200839173, ClinGen allele CA9299966.

ClinVar aggregate classification (germline): Uncertain significance (1 of 4 stars; one submission).

Allele frequency attached by ClinVar (database versions not stated): gnomAD 0.00001 and 0.00003; ExAC 0.00002; TOPMed 0.00005; 1000 Genomes Project 30x 0.00016; 1000 Genomes Project 0.00020.
gnomAD v4.1: 11 of 1,610,730 alleles (0.00068%); highest among the groups gnomAD compares: Admixed American, 0.017%; no homozygotes.

Submission:

Labcorp Genetics (formerly Invitae), Labcorp
Classification: Uncertain significance. Last evaluated: 2026-01-19. Review status: criteria provided, single submitter. Criteria: Invitae Variant Classification Sherloc (09022015). Collection method: clinical testing. Allele origin: germline.
Comment: This sequence change replaces arginine, which is basic and polar, with proline, which is neutral and non-polar, at codon 38 of the FCHO1 protein (p.Arg38Pro). This variant is present in population databases (rs200839173, gnomAD 0.01%). This variant has not been reported in the literature in individuals affected with FCHO1-related conditions. ClinVar contains an entry for this variant (Variation ID: 1437907). An algorithm developed to predict the effect of missense changes on protein structure and function (PolyPhen-2) suggests that this variant is likely to be disruptive. In summary, the available evidence is currently insufficient to determine the role of this variant in disease. Therefore, it has been classified as a Variant of Uncertain Significance.